The following is an entry in ClinVar:

ClinVar aggregate classification (germline): Likely benign. Review status: reviewed by expert panel (3 of 4 stars). 4 submissions from 4 submitters: Likely benign (1). 3 of the submissions do not count toward it. Last evaluated 2025-09-05.

Conditions:
RPGR-related retinopathy. Also called: RPGR retinopathy. Identifiers: MedGen CN305589, MONDO:0100437.
Primary ciliary dyskinesia. Also called: Ciliary dyskinesia. Identifiers: Orphanet 244, MedGen C0008780, MONDO:0016575, HP:0012265.
Retinal dystrophy. Also called: Inherited retinal dystrophy. Identifiers: Orphanet 71862, MedGen C0854723, MeSH D058499, MONDO:0019118, HP:0000556.

Allele frequency attached by ClinVar (database versions not stated): gnomAD 0.00004.

Submissions (4):

ClinGen X-linked Inherited Retinal Disease Variant Curation Expert Panel, ClinGen
Classification: Likely benign for RPGR-related retinopathy. Last evaluated: 2025-09-05. Review status: reviewed by expert panel. Criteria: ClinGen X LinkedIRD ACMG Specifications RPGR V1.0.0. Collection method: curation. Allele origin: germline. Inheritance: X-linked inheritance.
Comment: NM_001034853.2(RPGR):c.2606A>G (p.Glu869Gly) is a missense variant encoding the substitution of glutamic acid with glycine at amino acid 869. This variant is present in gnomAD v4.1.0 at a frequency of 0.00002702 among hemizygous individuals, with 6 variant alleles / 222,040 total hemizygous alleles, which is higher than the ClinGen X-linked IRD VCEP BS1 threshold of >0.000005 (BS1). The computational predictor REVEL gives a score of 0.062, which is below the ClinGen X-linked IRD VCEP threshold of <0.183 and predicts a non-damaging effect on RPGR function. Additionally, the splicing impact predictor SpliceAI gives a delta score of 0.01, which is below the ClinGen X-linked IRD VCEP recommended threshold of <0.1 and does not strongly predict an impact on splicing (BP4_Moderate). This variant has been identified in at least one affected individual who also harbors a heterozygous variant (c.5882G>A; p.Gly1961Glu) in ABCA4, however this individual is female and lacks male family members known to be affected, so is not eligible for inclusion in PS4_Supporting (PMID: 30190494). In summary, this variant is classified as likely benign for RPGR-related retinopathy based on the ClinGen X-linked Inherited Retinal Disease Expert Panel Specifications to the ACMG/AMP Variant Interpretation Guidelines for RPGR Version 1.0.0; BS1 and BP4_Moderate.

Blueprint Genetics
Classification: Likely benign. Last evaluated: 2023-11-07. Review status: criteria provided, single submitter. Criteria: ACMG Guidelines, 2015. Collection method: clinical testing. Allele origin: germline. Not counted in ClinVar's aggregate classification.

Labcorp Genetics (formerly Invitae), Labcorp
Classification: Uncertain significance for Primary ciliary dyskinesia. Last evaluated: 2022-05-31. Review status: criteria provided, single submitter. Criteria: Invitae Variant Classification Sherloc (09022015). Collection method: clinical testing. Allele origin: germline. Not counted in ClinVar's aggregate classification.
Comment: This sequence change replaces glutamic acid, which is acidic and polar, with glycine, which is neutral and non-polar, at codon 869 of the RPGR (ORF15) protein (p.Glu869Gly). In summary, the available evidence is currently insufficient to determine the role of this variant in disease. Therefore, it has been classified as a Variant of Uncertain Significance. Algorithms developed to predict the effect of missense changes on protein structure and function output the following: SIFT: "Not Available"; PolyPhen-2: "Not Available"; Align-GVGD: "Not Available". The glycine amino acid residue is found in multiple mammalian species, which suggests that this missense change does not adversely affect protein function. This variant has not been reported in the literature in individuals affected with RPGR (ORF15)-related conditions. The frequency data for this variant in the population databases is considered unreliable, as metrics indicate poor data quality at this position in the gnomAD database.

Institute of Human Genetics, Univ. Regensburg, Univ. Regensburg
Classification: Uncertain significance for Retinal dystrophy. Last evaluated: 2023-01-01. Review status: no assertion criteria provided. Criteria: ACMG Guidelines, 2015. Collection method: clinical testing. Allele origin: germline. Affected: yes. Not counted in ClinVar's aggregate classification.

NM_001034853.2(RPGR):c.2606A>G (p.Glu869Gly)

Gene: RPGR (retinitis pigmentosa GTPase regulator; minus strand). Cytogenetic location: Xp11.4.
Variant type: single nucleotide variant.
Coding change: c.2606A>G on transcript NM_001034853.2 (MANE Select); coding-DNA position 2606, A replaced by G.
Protein change: p.Glu869Gly; replaces glutamic acid 869 with glycine.
Molecular consequence: missense variant. On other transcripts: intron variant (8).
Genome position (GRCh38, 1-based): chrX:38,286,393, T>C on the plus strand (A>G on the coding strand, the complement: RPGR is on the minus strand). VCF-style: chrX-38286393-T-C. GRCh37 (hg19) VCF-style: chrX-38145646-T-C.
Other names: NM_001034853.2(RPGR):c.2606A>G; p.Glu869Gly; c.1569+4566A>G (NM_001367249.1, NM_001367250.1); c.1902+701A>G (NM_001367245.1); c.1386+4566A>G (NM_001367251.1); c.1719+701A>G (NM_001367246.1); c.1572+4566A>G (NM_001367247.1); c.1905+701A>G (NM_000328.3); and 1 more; short protein forms E869G.
Identifiers: ClinVar variation 2151146 (VCV002151146.6), dbSNP rs201131185, ClinGen allele CA327915723.
Genomic context (GRCh38, chrX:38,286,393, plus strand): 5'-TCTTCTCCCTCCCCTTCTCCTTCCTCCTCTTCCCCCTCCCCTTCTCCTTCCTCCCCTTCT[T>C]CCTCCCCTTCTCCTTCTTCCCCTTCTTCCTCCCCTTTCCCTTCTCCTTCCTCCTCTTCCC-3'
Protein context (NP_001030025.1, residues 859-879): EEEGEEGEGE[Glu869Gly]EGEEGEGEGE